The following is an entry in ClinVar:

ClinVar aggregate classification (germline): Uncertain significance (1 of 4 stars; one submission).

gnomAD v4.1: 100 of 1,613,888 alleles (0.0062%); highest among the groups gnomAD compares: East Asian, 0.12%; 2 homozygotes.

Submission:

Labcorp Genetics (formerly Invitae), Labcorp
Classification: Uncertain significance. Last evaluated: 2025-08-26. Review status: criteria provided, single submitter. Criteria: Invitae Variant Classification Sherloc (09022015). Collection method: clinical testing. Allele origin: germline.
Comment: This sequence change replaces arginine, which is basic and polar, with glutamine, which is neutral and polar, at codon 122 of the ARHGAP24 protein (p.Arg122Gln). This variant is present in population databases (rs374671512, gnomAD 0.06%), and has an allele count higher than expected for a pathogenic variant. This variant has not been reported in the literature in individuals affected with ARHGAP24-related conditions. An algorithm developed to predict the effect of missense changes on protein structure and function (PolyPhen-2) suggests that this variant is likely to be tolerated. In summary, the available evidence is currently insufficient to determine the role of this variant in disease. Therefore, it has been classified as a Variant of Uncertain Significance.

NM_001025616.3(ARHGAP24):c.365G>A (p.Arg122Gln)

Gene: ARHGAP24 (Rho GTPase activating protein 24; plus strand). Cytogenetic location: 4q21.23.
Variant type: single nucleotide variant.
Coding change: c.365G>A on transcript NM_001025616.3 (MANE Select); coding-DNA position 365, G replaced by A.
Protein change: p.Arg122Gln; replaces arginine 122 with glutamine.
Molecular consequence: missense variant. On other transcripts: 5 prime UTR variant (1).
Genome position (GRCh38, 1-based): chr4:85,923,744, G>A. VCF-style: chr4-85923744-G-A. GRCh37 (hg19) VCF-style: chr4-86844897-G-A.
Other names: c.80G>A, p.Arg27Gln (NM_001042669.2); c.110G>A, p.Arg37Gln (NM_001287805.2); c.-7G>A (NM_001346093.2); short protein forms R122Q, R27Q, R37Q.
Identifiers: ClinVar variation 4706261 (VCV004706261.1).
Genomic context (GRCh38, chr4:85,923,744, plus strand): 5'-GCTACCTCCTCATGGCAAGCACCCAGAATGATATGGAAGACTGGGTGAAGTCAATCCGCC[G>A]AGTCATATGGGGACCTTTCGGAGGAGGTGAGTGTACTTTAAAATCATGGAAAAACAGAAA-3'
Protein context (NP_001020787.2, residues 112-132): DMEDWVKSIR[Arg122Gln]VIWGPFGGGI